The following is an entry in ClinVar:

NM_000071.2(CBS):c.-160C>T

Gene: CBS (cystathionine beta-synthase; minus strand). Cytogenetic location: 21q22.3.
Variant type: single nucleotide variant.
Coding change: c.-160C>T on transcript NM_000071.2; 160 bases upstream of the start codon, C replaced by T.
Molecular consequence: intron variant (on NM_001320298.2).
Genome position (GRCh38, 1-based): chr21:43,075,845, G>A on the plus strand (C>T on the coding strand, the complement: CBS is on the minus strand). VCF-style: chr21-43075845-G-A. GRCh37 (hg19) VCF-style: chr21-44495955-G-A.
Other names: c.-85+380C>T (NM_001320298.2, NM_001178009.3, NM_001178008.3).
Identifiers: ClinVar variation 340095 (VCV000340095.7), dbSNP rs112271970, ClinGen allele CA10653009.

ClinVar aggregate classification (germline): Likely benign (1 of 4 stars; one submission).

Conditions:
Classic homocystinuria. Also called: Homocystinuria due to Cystathionine Beta-Synthase Deficiency; HOMOCYSTINURIA WITH OR WITHOUT RESPONSE TO PYRIDOXINE; Homocystinuria due to CBS deficiency; Cystathionine beta-synthase deficiency; CBS deficiency. Identifiers: Orphanet 394, MedGen C0751202, MONDO:0009352, OMIM 236200.

Allele frequency attached by ClinVar (database versions not stated): 1000 Genomes Project 0.00060; gnomAD 0.00185.

Submission:

Illumina Laboratory Services, Illumina
Classification: Likely benign for Classic homocystinuria. Last evaluated: 2018-01-12. Review status: criteria provided, single submitter. Criteria: ICSL Variant Classification Criteria 13 December 2019. Collection method: clinical testing. Allele origin: germline.
Comment: This variant was observed in the ICSL laboratory as part of a predisposition screen in an ostensibly healthy population. It had not been previously curated by ICSL or reported in the Human Gene Mutation Database (HGMD: prior to June 1st, 2018), and was therefore a candidate for classification through an automated scoring system. Utilizing variant allele frequency, disease prevalence and penetrance estimates, and inheritance mode, an automated score was calculated to assess if this variant is too frequent to cause the disease. Based on the score and internal cut-off values, a variant classified as likely benign is not then subjected to further curation. The score for this variant resulted in a classification of likely benign for this disease.